The following is an entry in ClinVar:

ClinVar aggregate classification (germline): Uncertain significance (1 of 4 stars; one submission).

Conditions:
Hereditary sensory and autonomic neuropathy type 6. Also called: HSAN VI; Neuropathy, hereditary sensory and autonomic, type VI. Identifiers: Orphanet 314381, MedGen C3539003, MONDO:0013839, OMIM 614653.
Epidermolysis bullosa simplex 3, localized or generalized intermediate, with BP230 deficiency (EBS3). Also called: Epidermolysis bullosa simplex due to BP230 deficiency; Epidermolysis bullosa simplex, autosomal recessive 2. Identifiers: Orphanet 412181, MedGen C3809470, MONDO:0014180, OMIM 615425.

Submission:

Labcorp Genetics (formerly Invitae), Labcorp
Classification: Uncertain significance for Epidermolysis bullosa simplex 3, localized or generalized intermediate, with BP230 deficiency; Hereditary sensory and autonomic neuropathy type 6. Last evaluated: 2024-02-24. Review status: criteria provided, single submitter. Criteria: Invitae Variant Classification Sherloc (09022015). Collection method: clinical testing. Allele origin: germline.
Comment: This sequence change replaces glutamic acid, which is acidic and polar, with lysine, which is basic and polar, at codon 1883 of the DST protein (p.Glu1883Lys). This variant is not present in population databases (gnomAD no frequency). This variant has not been reported in the literature in individuals affected with DST-related conditions. ClinVar contains an entry for this variant (Variation ID: 945466). An algorithm developed to predict the effect of missense changes on protein structure and function (PolyPhen-2) suggests that this variant is likely to be tolerated. In summary, the available evidence is currently insufficient to determine the role of this variant in disease. Therefore, it has been classified as a Variant of Uncertain Significance.

NM_001723.7(DST):c.5647G>A (p.Glu1883Lys)

Gene: DST (dystonin; minus strand). Cytogenetic location: 6p12.1.
Variant type: single nucleotide variant.
Coding change: c.5647G>A on transcript NM_001723.7 (MANE Plus Clinical); coding-DNA position 5647, G replaced by A.
Protein change: p.Glu1883Lys; replaces glutamic acid 1883 with lysine.
Molecular consequence: missense variant. On other transcripts: intron variant (10).
Genome position (GRCh38, 1-based): chr6:56,618,387, C>T on the plus strand (G>A on the coding strand, the complement: DST is on the minus strand). VCF-style: chr6-56618387-C-T. GRCh37 (hg19) VCF-style: chr6-56483185-C-T.
Other names: c.4831-3903G>A (NM_001144769.5); c.4930-3903G>A (NM_001374722.1, NM_001374736.1); c.4957-3903G>A (NM_001374734.1); c.4417-3903G>A (NM_001144770.2); c.4297-3903G>A (NM_001374730.1, NM_001386100.1, NM_183380.4 and 1 more transcripts); c.3319-3903G>A (NM_015548.5); short protein forms E1883K.
Identifiers: ClinVar variation 945466 (VCV000945466.10), dbSNP rs2098650782, ClinGen allele CA364566887.
Genomic context (GRCh38, chr6:56,618,387, plus strand): 5'-GGTGTCCAGTGTTTCTAGAGGACAGCTCTCCAGAGTGCTGGCACTCCTTCACTGTCATCT[C>T]AAAATCTGGTTTGAAGGTACAGTCTTTGGCTGTGCTCTTTTTTTGAATTTCACACTGGAG-3'
Protein context (NP_001714.1, residues 1873-1893): AKDCTFKPDF[Glu1883Lys]MTVKECQHSG